The following is an entry in ClinVar:

NM_004958.4(MTOR):c.5714+6A>G

Gene: MTOR (mechanistic target of rapamycin kinase; minus strand). Cytogenetic location: 1p36.22.
Variant type: single nucleotide variant.
Coding change: c.5714+6A>G on transcript NM_004958.4 (MANE Select); 6 bases into the intron after coding-DNA position 5714, A replaced by G.
Molecular consequence: intron variant.
Genome position (GRCh38, 1-based): chr1:11,129,732, T>C on the plus strand (A>G on the coding strand, the complement: MTOR is on the minus strand). VCF-style: chr1-11129732-T-C. GRCh37 (hg19) VCF-style: chr1-11189789-T-C.
Identifiers: ClinVar variation 1008900 (VCV001008900.8), dbSNP rs941577732, ClinGen allele CA17942951.
Genomic context (GRCh38, chr1:11,129,732, plus strand): 5'-CGTGTGACTTCTAGGTCTTGCCATTAACATGGCCTACCAGAGTTGCATCCTTCCCTTCTC[T>C]GATACCTGAGTGTATCCTGGAGGTTGTTGCCTCGTGACAAGGAGATGGAACGGAAGAAGC-3'

ClinVar aggregate classification (germline): Uncertain significance (1 of 4 stars; one submission).

Allele frequency attached by ClinVar (database versions not stated): gnomAD 0.00003 and 0.00004; TOPMed 0.00003.
gnomAD v4.1: 5 of 1,612,702 alleles (0.00031%); highest among the groups gnomAD compares: African/African-American, 0.0053%; no homozygotes.

Submission:

Labcorp Genetics (formerly Invitae), Labcorp
Classification: Uncertain significance. Last evaluated: 2025-12-09. Review status: criteria provided, single submitter. Criteria: Invitae Variant Classification Sherloc (09022015). Collection method: clinical testing. Allele origin: germline.
Comment: This sequence change falls in intron 40 of the MTOR gene. It does not directly change the encoded amino acid sequence of the MTOR protein. It affects a nucleotide within the consensus splice site. This variant is not present in population databases (gnomAD no frequency). This variant has not been reported in the literature in individuals affected with MTOR-related conditions. ClinVar contains an entry for this variant (Variation ID: 1008900). Variants that disrupt the consensus splice site are a relatively common cause of aberrant splicing (PMID: 17576681, 9536098). Algorithms developed to predict the effect of sequence changes on RNA splicing suggest that this variant is not likely to affect RNA splicing. In summary, the available evidence is currently insufficient to determine the role of this variant in disease. Therefore, it has been classified as a Variant of Uncertain Significance.

Literature cited by the submitters: PubMed 17576681; PubMed 9536098.